The following is an entry in ClinVar:

ClinVar aggregate classification (germline): Conflicting classifications of pathogenicity. Review status: criteria provided, conflicting classifications (1 of 4 stars). 2 submissions from 2 submitters: Uncertain significance (1); Benign (1). Last evaluated 2025-06-23.

Conditions:
Developmental and epileptic encephalopathy, 69. Also called: EPILEPTIC ENCEPHALOPATHY, EARLY INFANTILE, 69. Identifiers: MedGen C4748988, MONDO:0032657, OMIM 618285.

gnomAD v4.1: 4 of 1,613,646 alleles (0.00025%); highest among the groups gnomAD compares: African/African-American, 0.0013%; no homozygotes.

Submissions (2):

Labcorp Genetics (formerly Invitae), Labcorp
Classification: Benign. Last evaluated: 2025-06-23. Review status: criteria provided, single submitter. Criteria: Invitae Variant Classification Sherloc (09022015). Collection method: clinical testing. Allele origin: germline.

New York Genome Center
Classification: Uncertain significance for Developmental and epileptic encephalopathy, 69. Last evaluated: 2020-08-14. Review status: criteria provided, single submitter. Criteria: NYGC Assertion Criteria 2020. Collection method: clinical testing. Allele origin: inherited. Observed: 1 heterozygote. Study: CSER-NYCKidSeq.
Comment: The c.6664G>A, p.Ala2222Thr missense variant identified in the CACNA1E gene has not been reported in the literature. This variant is not reported in the gnomAD v3 database, indicating this is a rare allele. In silico analysis predicts conflicting evidence of pathogenicity [PMID: 27268795]. Based on the available evidence, the inherited variant c.6664G>A, p.Ala2222Thr in the CACNA1E gene is classified as a Variant of Uncertain Significance.

NM_001205293.3(CACNA1E):c.6664G>A (p.Ala2222Thr)

Gene: CACNA1E (calcium voltage-gated channel subunit alpha1 E; plus strand). Cytogenetic location: 1q25.3.
Variant type: single nucleotide variant.
Coding change: c.6664G>A on transcript NM_001205293.3 (MANE Select); coding-DNA position 6664, G replaced by A.
Protein change: p.Ala2222Thr; replaces alanine 2222 with threonine.
Molecular consequence: missense variant.
Genome position (GRCh38, 1-based): chr1:181,798,556, G>A. VCF-style: chr1-181798556-G-A. GRCh37 (hg19) VCF-style: chr1-181767692-G-A.
Other names: c.6535G>A, p.Ala2179Thr (NM_000721.4); c.6478G>A, p.Ala2160Thr (NM_001205294.2); short protein forms A2160T, A2179T, A2222T.
Identifiers: ClinVar variation 1213760 (VCV001213760.9), dbSNP rs369634310, ClinGen allele CA343845257.
Genomic context (GRCh38, chr1:181,798,556, plus strand): 5'-AGCAACAATGCTTGCCTGACCGAGTCTTCCAACTCTCCGCACCCCCAGCAGAGCCAACAT[G>A]CCTCCCCACAGCGCTACATCTCCGAGCCCTACTTGGCCCTGCACGAAGACTCCCACGCCT-3'
Protein context (NP_001192222.1, residues 2212-2232): NSPHPQQSQH[Ala2222Thr]SPQRYISEPY